The following is an entry in ClinVar:

ClinVar aggregate classification (germline): Uncertain significance (1 of 4 stars; one submission).

Conditions:
Hereditary cancer-predisposing syndrome. Also called: Neoplastic Syndromes, Hereditary; Tumor predisposition; Hereditary Cancer Syndrome; Hereditary neoplastic syndrome. Identifiers: Orphanet 140162, MedGen C0027672, MeSH D009386, MONDO:0015356.

Submission:

Ambry Genetics
Classification: Uncertain significance for Hereditary cancer-predisposing syndrome. Last evaluated: 2026-03-30. Review status: criteria provided, single submitter. Criteria: Ambry Variant Classification Scheme 2023. Collection method: clinical testing. Allele origin: germline.
Comment: The p.Q158P variant (also known as c.473A>C), located in coding exon 3 of the TMEM127 gene, results from an A to C substitution at nucleotide position 473. The glutamine at codon 158 is replaced by proline, an amino acid with similar properties. This amino acid position is conserved. In addition, this alteration is predicted to be deleterious by in silico analysis. Based on the available evidence, the clinical significance of this variant remains unclear.

NM_017849.4(TMEM127):c.473A>C (p.Gln158Pro)

Gene: TMEM127 (transmembrane protein 127; minus strand). Cytogenetic location: 2q11.2.
Variant type: single nucleotide variant.
Coding change: c.473A>C on transcript NM_017849.4 (MANE Select); coding-DNA position 473, A replaced by C.
Protein change: p.Gln158Pro; replaces glutamine 158 with proline.
Molecular consequence: missense variant.
Genome position (GRCh38, 1-based): chr2:96,254,052, T>G on the plus strand (A>C on the coding strand, the complement: TMEM127 is on the minus strand). VCF-style: chr2-96254052-T-G. GRCh37 (hg19) VCF-style: chr2-96919790-T-G.
Other names: c.473A>C, p.Gln158Pro (NM_001193304.3); c.221A>C, p.Gln74Pro (NM_001407282.1, NM_001407283.1); short protein forms Q158P, Q74P.
Identifiers: ClinVar variation 4865712 (VCV004865712.1).